The following is an entry in ClinVar:

NM_012309.5(SHANK2):c.4822G>A (p.Val1608Ile)

Gene: SHANK2 (SH3 and multiple ankyrin repeat domains 2; minus strand). Cytogenetic location: 11q13.3.
Variant type: single nucleotide variant.
Coding change: c.4822G>A on transcript NM_012309.5 (MANE Select); coding-DNA position 4822, G replaced by A.
Protein change: p.Val1608Ile; replaces valine 1608 with isoleucine.
Molecular consequence: missense variant.
Genome position (GRCh38, 1-based): chr11:70,485,471, C>T on the plus strand (G>A on the coding strand, the complement: SHANK2 is on the minus strand). VCF-style: chr11-70485471-C-T. GRCh37 (hg19) VCF-style: chr11-70331576-C-T.
Other names: c.3685G>A, p.Val1229Ile (NM_001379226.1); c.3058G>A, p.Val1020Ile (NM_133266.5); short protein forms V1020I, V1608I, V1229I.
Identifiers: ClinVar variation 436712 (VCV000436712.33), dbSNP rs543988574, ClinGen allele CA6160849.

ClinVar aggregate classification (germline): Likely benign. Review status: criteria provided, multiple submitters, no conflicts (2 of 4 stars). 4 submissions from 4 submitters: Likely benign (3). 1 of the submissions does not count toward it. Last evaluated 2024-02-01.

Conditions:
Autism, susceptibility to, 17. Also called: Autism susceptibility 17. Identifiers: MedGen C3150693, MONDO:0013265, OMIM 613436.

Allele frequency attached by ClinVar (database versions not stated): ExAC 0.00012; gnomAD 0.00013 and 0.00014; gnomAD exomes 0.00013 and 0.00025; TOPMed 0.00015; 1000 Genomes Project 0.00020; 1000 Genomes Project 30x 0.00031.
gnomAD v4.1: 383 of 1,613,922 alleles (0.024%); highest among the groups gnomAD compares: Non-Finnish European, 0.03%; no homozygotes.

Submissions (4):

CeGaT Center for Human Genetics Tuebingen
Classification: Likely benign. Last evaluated: 2024-02-01. Review status: criteria provided, single submitter. Criteria: CeGaT Center For Human Genetics Tuebingen Variant Classification Criteria Version 2. Collection method: clinical testing. Allele origin: germline. Affected: yes. Observed: 2 variant alleles.
Comment: SHANK2: BP4

Clinical Genetics DNA and cytogenetics Diagnostics Lab, Erasmus MC, Erasmus Medical Center
Classification: Likely benign for Autism, susceptibility to, 17. Last evaluated: 2017-09-27. Review status: criteria provided, single submitter. Criteria: ACGS Guidelines, 2013. Collection method: clinical testing. Allele origin: germline. Affected: yes. Study: VKGL Data-share Consensus.

Genetic Services Laboratory, University of Chicago
Classification: Likely benign. Last evaluated: 2016-10-11. Review status: criteria provided, single submitter. Criteria: ACMG Guidelines, 2015. Collection method: clinical testing. Allele origin: germline. Affected: no.

Diagnostic Laboratory, Department of Genetics, University Medical Center Groningen
Classification: Likely benign. Review status: no assertion criteria provided. Collection method: clinical testing. Allele origin: germline. Affected: yes. Study: VKGL Data-share Consensus. Not counted in ClinVar's aggregate classification.